The following is an entry in ClinVar:

ClinVar aggregate classification (germline): Likely benign. Review status: criteria provided, single submitter (1 of 4 stars). 2 submissions from 2 submitters: Likely benign (1). 1 of the submissions does not count toward it. Last evaluated 2018-07-02.

Conditions:
PLXNA4-related disorder. Also called: PLXNA4-related condition.

Allele frequency attached by ClinVar (database versions not stated): ExAC 0.00023; gnomAD exomes 0.00023 and 0.00025; TOPMed 0.00030; ESP Exome Variant Server 0.00031; gnomAD 0.00031 and 0.00034.
gnomAD v4.1: 410 of 1,614,182 alleles (0.025%); highest among the groups gnomAD compares: Admixed American, 0.043%; no homozygotes.

Submissions (2):

Labcorp Genetics (formerly Invitae), Labcorp
Classification: Likely benign. Last evaluated: 2018-07-02. Review status: criteria provided, single submitter. Criteria: Invitae Variant Classification Sherloc (09022015). Collection method: clinical testing. Allele origin: germline.

PreventionGenetics, part of Exact Sciences
Classification: Likely benign for PLXNA4-related condition. Last evaluated: 2021-12-14. Review status: no assertion criteria provided. Collection method: clinical testing. Allele origin: germline. Not counted in ClinVar's aggregate classification.
Comment: This variant is classified as likely benign based on ACMG/AMP sequence variant interpretation guidelines (Richards et al. 2015 PMID: 25741868, with internal and published modifications).

NM_020911.2(PLXNA4):c.4974C>T (p.His1658=)

Gene: PLXNA4 (plexin A4; minus strand). Cytogenetic location: 7q32.3.
Variant type: single nucleotide variant.
Coding change: c.4974C>T on transcript NM_020911.2 (MANE Select); coding-DNA position 4974, C replaced by T.
Protein change: p.His1658=; no amino-acid change (histidine 1658 retained).
Molecular consequence: synonymous variant.
Genome position (GRCh38, 1-based): chr7:132,146,591, G>A on the plus strand (C>T on the coding strand, the complement: PLXNA4 is on the minus strand). VCF-style: chr7-132146591-G-A. GRCh37 (hg19) VCF-style: chr7-131831350-G-A.
Other names: c.4974C>T, p.His1658= (NM_001393897.1).
Identifiers: ClinVar variation 713226 (VCV000713226.5), dbSNP rs370460371, ClinGen allele CA4489026.